The following is an entry in ClinVar:

NM_017541.4(CRYGS):c.275G>A (p.Gly92Asp)

Gene: CRYGS (crystallin gamma S; minus strand). Cytogenetic location: 3q27.3.
Variant type: single nucleotide variant.
Coding change: c.275G>A on transcript NM_017541.4 (MANE Select); coding-DNA position 275, G replaced by A.
Protein change: p.Gly92Asp; replaces glycine 92 with aspartic acid.
Molecular consequence: missense variant.
Genome position (GRCh38, 1-based): chr3:186,538,958, C>T on the plus strand (G>A on the coding strand, the complement: CRYGS is on the minus strand). VCF-style: chr3-186538958-C-T. GRCh37 (hg19) VCF-style: chr3-186256747-C-T.
Other names: short protein forms G92D.
Identifiers: ClinVar variation 3698873 (VCV003698873.2).
Genomic context (GRCh38, chr3:186,538,958, plus strand): 5'-GTGGTTTCATACATCTGACCACTAAAATCCCCTTTCTCAAAGATCTGAATCTTATACTGG[C>T]CTCCACTAGGCTGAAAAGACACAGGAGAAAATGAACAGAAACCATTATGGAAATCACCAG-3'
Protein context (NP_060011.1, residues 82-102): SCRAVHLPSG[Gly92Asp]QYKIQIFEKG

ClinVar aggregate classification (germline): Uncertain significance (1 of 4 stars; one submission).

Conditions:
Cataract 20 multiple types (CTRCT20). Also called: Membranous cataract. Identifiers: Orphanet 91492, MedGen C0524524, MONDO:0007284, OMIM 116100, HP:0010922.

Submission:

Labcorp Genetics (formerly Invitae), Labcorp
Classification: Uncertain significance for Cataract 20 multiple types. Last evaluated: 2025-12-08. Review status: criteria provided, single submitter. Criteria: Invitae Variant Classification Sherloc (09022015). Collection method: clinical testing. Allele origin: germline.
Comment: This sequence change replaces glycine, which is neutral and non-polar, with aspartic acid, which is acidic and polar, at codon 92 of the CRYGS protein (p.Gly92Asp). This variant is not present in population databases (gnomAD no frequency). This variant has not been reported in the literature in individuals affected with CRYGS-related conditions. ClinVar contains an entry for this variant (Variation ID: 3698873). An algorithm developed to predict the effect of missense changes on protein structure and function (PolyPhen-2) suggests that this variant is likely to be tolerated. In summary, the available evidence is currently insufficient to determine the role of this variant in disease. Therefore, it has been classified as a Variant of Uncertain Significance.